The following is an entry in ClinVar:

NM_022114.4(PRDM16):c.3184C>T (p.His1062Tyr)

Gene: PRDM16 (PR/SET domain 16; plus strand). Cytogenetic location: 1p36.32.
Variant type: single nucleotide variant.
Coding change: c.3184C>T on transcript NM_022114.4 (MANE Select); coding-DNA position 3184, C replaced by T.
Protein change: p.His1062Tyr; replaces histidine 1062 with tyrosine.
Molecular consequence: missense variant.
Genome position (GRCh38, 1-based): chr1:3,426,125, C>T. VCF-style: chr1-3426125-C-T. GRCh37 (hg19) VCF-style: chr1-3342689-C-T.
Other names: c.3184C>T, p.His1062Tyr (NM_199454.3); short protein forms H1062Y.
Identifiers: ClinVar variation 4750564 (VCV004750564.1).

ClinVar aggregate classification (germline): Uncertain significance (1 of 4 stars; one submission).

Conditions:
Left ventricular noncompaction 8 (LVNC8). Identifiers: Orphanet 154, Orphanet 54260, MedGen C3809288, MONDO:0014152, OMIM 615373.

gnomAD v4.1: 4 of 1,614,012 alleles (0.00025%); highest among the groups gnomAD compares: African/African-American, 0.0053%; no homozygotes.

Submission:

Labcorp Genetics (formerly Invitae), Labcorp
Classification: Uncertain significance for Left ventricular noncompaction 8. Last evaluated: 2025-12-26. Review status: criteria provided, single submitter. Criteria: Invitae Variant Classification Sherloc (09022015). Collection method: clinical testing. Allele origin: germline.
Comment: This sequence change replaces histidine, which is basic and polar, with tyrosine, which is neutral and polar, at codon 1062 of the PRDM16 protein (p.His1062Tyr). This variant is not present in population databases (gnomAD no frequency). This variant has not been reported in the literature in individuals affected with PRDM16-related conditions. An algorithm developed to predict the effect of missense changes on protein structure and function (PolyPhen-2) suggests that this variant is likely to be disruptive. In summary, the available evidence is currently insufficient to determine the role of this variant in disease. Therefore, it has been classified as a Variant of Uncertain Significance.